The following is an entry in ClinVar:

NM_016203.4(PRKAG2):c.591C>G (p.Pro197=)

Gene: PRKAG2 (protein kinase AMP-activated non-catalytic subunit gamma 2; minus strand). Cytogenetic location: 7q36.1.
Variant type: single nucleotide variant.
Coding change: c.591C>G on transcript NM_016203.4 (MANE Select); coding-DNA position 591, C replaced by G.
Protein change: p.Pro197=; no amino-acid change (proline 197 retained).
Molecular consequence: synonymous variant.
Genome position (GRCh38, 1-based): chr7:151,675,513, G>C on the plus strand (C>G on the coding strand, the complement: PRKAG2 is on the minus strand). VCF-style: chr7-151675513-G-C. GRCh37 (hg19) VCF-style: chr7-151372599-G-C.
Other names: c.459C>G, p.Pro153= (NM_001040633.2); c.219C>G, p.Pro73= (NM_001304527.2, NM_001363698.2).
Identifiers: ClinVar variation 386128 (VCV000386128.12), dbSNP rs587781126, ClinGen allele CA16605761.

ClinVar aggregate classification (germline): Likely benign. Review status: criteria provided, multiple submitters, no conflicts (2 of 4 stars). 5 submissions from 5 submitters: Likely benign (5). Last evaluated 2025-12-14.

Conditions:
Hypertrophic cardiomyopathy. Also called: HYPERTROPHIC MYOCARDIOPATHY. Identifiers: Orphanet 217569, MedGen C0007194, MeSH D002312, MONDO:0005045, HP:0001639.
Cardiovascular phenotype. Identifiers: MedGen CN230736.
Cardiomyopathy (CMYO). Also called: Cardiomyopathies. Identifiers: Orphanet 167848, MedGen C0878544, MONDO:0004994, HP:0001638. Inheritance: Various modes of inheritance.
Lethal congenital glycogen storage disease of heart. Also called: PHOSPHORYLASE KINASE DEFICIENCY OF HEART; GLYCOGEN STORAGE DISEASE OF HEART. Identifiers: Orphanet 439854, MedGen C1849813, MONDO:0009867, OMIM 261740.

Allele frequency attached by ClinVar (database versions not stated): TOPMed 0.00002.
gnomAD v4.1: 10 of 1,614,120 alleles (0.00062%); highest among the groups gnomAD compares: African/African-American, 0.0013%; no homozygotes.

Submissions (5):

Labcorp Genetics (formerly Invitae), Labcorp
Classification: Likely benign for Lethal congenital glycogen storage disease of heart. Last evaluated: 2025-12-14. Review status: criteria provided, single submitter. Criteria: Invitae Variant Classification Sherloc (09022015). Collection method: clinical testing. Allele origin: germline.

All of Us Research Program, National Institutes of Health
Classification: Likely benign for Hypertrophic cardiomyopathy. Last evaluated: 2024-05-14. Review status: criteria provided, single submitter. Criteria: ACMG Guidelines, 2015. Collection method: clinical testing. Allele origin: germline. Inheritance: Autosomal dominant inheritance. Observed: 1 variant allele, 1 heterozygote.
Comment: This study involves interpretation of variants in research participants for the purpose of population health screening. Participant phenotype was not available at the time of variant classification. Additional details can be found in publication PMID: 35346344, PMCID: PMC8962531

Color Diagnostics, LLC DBA Color Health
Classification: Likely benign for Cardiomyopathy. Last evaluated: 2024-04-23. Review status: criteria provided, single submitter. Criteria: ACMG Guidelines, 2015. Collection method: clinical testing. Allele origin: germline.

GeneDx
Classification: Likely benign. Last evaluated: 2021-06-16. Review status: criteria provided, single submitter. Criteria: GeneDx Variant Classification Process June 2021. Collection method: clinical testing. Allele origin: germline. Affected: yes.

Ambry Genetics
Classification: Likely benign for Cardiovascular phenotype. Last evaluated: 2020-03-19. Review status: criteria provided, single submitter. Criteria: Ambry Variant Classification Scheme 2023. Collection method: clinical testing. Allele origin: germline.